The following is an entry in ClinVar:

ClinVar aggregate classification (germline): Pathogenic/Likely pathogenic. Review status: criteria provided, multiple submitters, no conflicts (2 of 4 stars). 4 submissions from 4 submitters: Pathogenic (2); Likely pathogenic (2). Last evaluated 2025-09-15.

Conditions:
Osteogenesis imperfecta type 6. Also called: Osteogenesis imperfecta, type VI. Identifiers: Orphanet 666, MedGen C3279564, MONDO:0013515, OMIM 613982.

Submissions (4):

Labcorp Genetics (formerly Invitae), Labcorp
Classification: Pathogenic. Last evaluated: 2025-09-15. Review status: criteria provided, single submitter. Criteria: Invitae Variant Classification Sherloc (09022015). Collection method: clinical testing. Allele origin: germline.
Comment: This sequence change creates a premature translational stop signal (p.Phe384Leufs*9) in the SERPINF1 gene. While this is not anticipated to result in nonsense mediated decay, it is expected to disrupt the last 35 amino acid(s) of the SERPINF1 protein. This variant is not present in population databases (gnomAD no frequency). This premature translational stop signal has been observed in individual(s) with osteogenesis imperfecta type VI (PMID: 25565926). It has also been observed to segregate with disease in related individuals. ClinVar contains an entry for this variant (Variation ID: 224879). For these reasons, this variant has been classified as Pathogenic.

Laboratorio de Genetica e Diagnostico Molecular, Hospital Israelita Albert Einstein
Classification: Likely pathogenic for Osteogenesis imperfecta type 6. Last evaluated: 2024-08-16. Review status: criteria provided, single submitter. Criteria: ACMG Guidelines, 2015. Collection method: clinical testing. Allele origin: germline. Affected: yes.
Comment: ACMG classification criteria: PVS1 strong, PM2 supporting, PM3 moderate, PP1 moderate

Baylor-Hopkins Center for Mendelian Genomics, Johns Hopkins University School of Medicine
Classification: Pathogenic for Osteogenesis imperfecta type 6. Review status: criteria provided, single submitter. Criteria: Submitter's publication. Collection method: research. Allele origin: germline. Affected: yes. Observed: 6 variant alleles, 6 homozygotes.

Clinical Biomedical Laboratory, Shriners Hospital For Children - Canada
Classification: Likely pathogenic for Osteogenesis imperfecta type 6. Review status: criteria provided, single submitter. Criteria: ACMG Guidelines, 2015. Collection method: clinical testing. Allele origin: germline. Affected: yes.
Comment: This variant is predicted to delete 19 nucleotides in the coding region of SERPINF1, which introduces a frameshift and leads to a premature stop codon 9 amino acids downstream. As the variant is located in the last exon (exon 8 of 8) of the gene, this is not expected to lead to degradation of the affected transcript but rather give rise to a truncated protein. This may cause loss of protein function. Biallelic loss of function variants in SERPINF1 are associated with osteogenesis imperfecta type VI, which corresponds to the clinical diagnosis of the proband. In the Genome Aggregation Database (gnomAD v2.1.1) this variant is absent, indicating it is very rare. This variant has been reported in the literaturel (PMID 25565926). Based on the ACMG variant interpretation guidelines (criteria: PVS1, PM2, PP4), this is a likely pathogenic variant.

Literature cited by the submitters: PubMed 25565926 (cited by Labcorp Genetics (formerly Invitae), Labcorp).

NM_002615.7(SERPINF1):c.1152_1170del (p.Phe384fs)

Gene: SERPINF1 (serpin family F member 1; plus strand). Cytogenetic location: 17p13.3.
Variant type: Deletion.
Coding change: c.1152_1170del on transcript NM_002615.7 (MANE Select); coding-DNA positions 1152 to 1170, 19 bases deleted (CCCGCTGGACTATCACCTT).
Protein change: p.Phe384fs; shifts the reading frame from phenylalanine 384.
Molecular consequence: frameshift variant.
Genome position (GRCh38, 1-based): chr17:1,777,341-1,777,359, CCCGCTGGACTATCACCTT deleted; deleting any 19 consecutive bases within chr17:1,777,334-1,777,359 gives the same sequence; the c. name uses the placement nearest the transcript's 3' end. VCF-style (leftmost placement, unchanged base first): chr17-1777333-CTCACCTTCCCGCTGGACTA-C. GRCh37 (hg19) VCF-style: chr17-1680627-CTCACCTTCCCGCTGGACTA-C.
Other names: c.1152_1170del, p.Phe384fs (NM_001329903.2); c.591_609del, p.Phe197fs (NM_001329904.2, NM_001329905.2); short protein forms F197fs, F384fs.
Identifiers: ClinVar variation 224879 (VCV000224879.7), dbSNP rs869312908, ClinGen allele CA354089.